The following is an entry in ClinVar:

ClinVar aggregate classification (germline): Likely benign (1 of 4 stars; one submission).

Conditions:
Cystic fibrosis (CF). Also called: MUCOVISCIDOSIS. Identifiers: Orphanet 586, MedGen C0010674, MONDO:0009061, OMIM 219700. Disease mechanism: loss of function.

Submission:

Johns Hopkins Genomics, Johns Hopkins University
Classification: Likely benign for Cystic fibrosis. Last evaluated: 2025-04-29. Review status: criteria provided, single submitter. Criteria: ACMG Guidelines, 2015. Collection method: clinical testing. Allele origin: germline.
Comment: This variant is classified as likely benign (PM2, PM3, BP2, BP4, BP7).

NM_000492.4(CFTR):c.1584+11264G>T

Gene: CFTR (CF transmembrane conductance regulator; plus strand). Cytogenetic location: 7q31.2.
Variant type: single nucleotide variant.
Coding change: c.1584+11264G>T on transcript NM_000492.4 (MANE Select); 11264 bases into the intron after coding-DNA position 1584, G replaced by T.
Molecular consequence: intron variant.
Genome position (GRCh38, 1-based): chr7:117,570,919, G>T. VCF-style: chr7-117570919-G-T. GRCh37 (hg19) VCF-style: chr7-117210973-G-T.
Identifiers: ClinVar variation 4280082 (VCV004280082.1).